The following is an entry in ClinVar:

ClinVar aggregate classification (germline): Uncertain significance (1 of 4 stars; one submission).

Allele frequency attached by ClinVar (database versions not stated): gnomAD 0.00001; gnomAD exomes 0.00001.
gnomAD v4.1: 24 of 1,613,672 alleles (0.0015%); highest among the groups gnomAD compares: Admixed American, 0.0033%; no homozygotes.

Submission:

Labcorp Genetics (formerly Invitae), Labcorp
Classification: Uncertain significance. Last evaluated: 2025-10-18. Review status: criteria provided, single submitter. Criteria: Invitae Variant Classification Sherloc (09022015). Collection method: clinical testing. Allele origin: germline.
Comment: This sequence change replaces arginine, which is basic and polar, with cysteine, which is neutral and slightly polar, at codon 2344 of the DCHS1 protein (p.Arg2344Cys). This variant is not present in population databases (gnomAD no frequency). This variant has not been reported in the literature in individuals affected with DCHS1-related conditions. ClinVar contains an entry for this variant (Variation ID: 2965023). Invitae Evidence Modeling of protein sequence and biophysical properties (such as structural, functional, and spatial information, amino acid conservation, physicochemical variation, residue mobility, and thermodynamic stability) indicates that this missense variant is expected to disrupt DCHS1 protein function with a positive predictive value of 80%. In summary, the available evidence is currently insufficient to determine the role of this variant in disease. Therefore, it has been classified as a Variant of Uncertain Significance.

NM_003737.4(DCHS1):c.7030C>T (p.Arg2344Cys)

Gene: DCHS1 (dachsous cadherin-related 1; minus strand). Cytogenetic location: 11p15.4.
Variant type: single nucleotide variant.
Coding change: c.7030C>T on transcript NM_003737.4 (MANE Select); coding-DNA position 7030, C replaced by T.
Protein change: p.Arg2344Cys; replaces arginine 2344 with cysteine.
Molecular consequence: missense variant.
Genome position (GRCh38, 1-based): chr11:6,625,314, G>A on the plus strand (C>T on the coding strand, the complement: DCHS1 is on the minus strand). VCF-style: chr11-6625314-G-A. GRCh37 (hg19) VCF-style: chr11-6646545-G-A.
Other names: short protein forms R2344C.
Identifiers: ClinVar variation 2965023 (VCV002965023.3), dbSNP rs775269231, ClinGen allele CA217330270.